The following is an entry in ClinVar:

ClinVar aggregate classification (germline): Uncertain significance (1 of 4 stars; one submission).

Conditions:
Ataxia-telangiectasia syndrome (AT). Also called: ATAXIA-TELANGIECTASIA, COMPLEMENTATION GROUP A; ATAXIA-TELANGIECTASIA, FRESNO VARIANT; Ataxia-telangiectasia; LOUIS-BAR SYNDROME; Cerebello-oculocutaneous telangiectasia; Immunodeficiency with ataxia telangiectasia. Identifiers: Orphanet 100, MedGen C0004135, MONDO:0008840, OMIM 208900.

Submission:

Labcorp Genetics (formerly Invitae), Labcorp
Classification: Uncertain significance for Ataxia-telangiectasia syndrome. Last evaluated: 2025-08-12. Review status: criteria provided, single submitter. Criteria: Invitae Variant Classification Sherloc (09022015). Collection method: clinical testing. Allele origin: germline.
Comment: This variant, c.4001_4002insACA, results in the insertion of 1 amino acid(s) of the ATM protein (p.Asp1333_His1334insGln), but otherwise preserves the integrity of the reading frame. This variant is not present in population databases (gnomAD no frequency). This variant has not been reported in the literature in individuals affected with ATM-related conditions. In summary, the available evidence is currently insufficient to determine the role of this variant in disease. Therefore, it has been classified as a Variant of Uncertain Significance.

NM_000051.4(ATM):c.4001_4002insACA (p.Asp1333_His1334insGln)

Gene: ATM (ATM serine/threonine kinase; plus strand). Cytogenetic location: 11q22.3.
Variant type: Insertion.
Coding change: c.4001_4002insACA on transcript NM_000051.4 (MANE Select); coding-DNA positions 4001 to 4002, ACA inserted.
Protein change: p.Asp1333_His1334insGln.
Molecular consequence: inframe insertion.
Genome position: GRCh38 VCF-style: chr11-108287605-T-TCAA. GRCh37 (hg19) VCF-style: chr11-108158332-T-TCAA.
Other names: c.4001_4002insACA, p.Asp1333_His1334insGln (NM_001351834.2).
Identifiers: ClinVar variation 4725302 (VCV004725302.1).